The following is an entry in ClinVar:

ClinVar aggregate classification (germline): Uncertain significance. Review status: criteria provided, multiple submitters, no conflicts (2 of 4 stars). 2 submissions from 2 submitters: Uncertain significance (2). Last evaluated 2025-02-08.

Conditions:
Hereditary cancer-predisposing syndrome. Also called: Hereditary Cancer Syndrome; Neoplastic Syndromes, Hereditary; Tumor predisposition; Hereditary neoplastic syndrome. Identifiers: Orphanet 140162, MedGen C0027672, MeSH D009386, MONDO:0015356.

Submissions (2):

Ambry Genetics
Classification: Uncertain significance for Hereditary cancer-predisposing syndrome. Last evaluated: 2025-02-08. Review status: criteria provided, single submitter. Criteria: Ambry Variant Classification Scheme 2023. Collection method: clinical testing. Allele origin: germline.
Comment: The p.C3233R variant (also known as c.9697T>C), located in coding exon 26 of the BRCA2 gene, results from a T to C substitution at nucleotide position 9697. The cysteine at codon 3233 is replaced by arginine, an amino acid with highly dissimilar properties. This amino acid position is not well conserved in available vertebrate species. In addition, this alteration is predicted to be tolerated by in silico analysis. Since supporting evidence is limited at this time, the clinical significance of this alteration remains unclear.

Color Diagnostics, LLC DBA Color Health
Classification: Uncertain significance for Hereditary cancer-predisposing syndrome. Last evaluated: 2023-12-05. Review status: criteria provided, single submitter. Criteria: ACMG Guidelines, 2015. Collection method: clinical testing. Allele origin: germline.
Comment: This missense variant replaces cysteine with arginine at codon 3233 of the BRCA2 protein. Computational prediction suggests that this variant may not impact protein structure and function (internally defined REVEL score threshold <= 0.5, PMID: 27666373). To our knowledge, functional studies have not been reported for this variant. This variant has not been reported in individuals affected with BRCA2-related disorders in the literature. This variant has not been identified in the general population by the Genome Aggregation Database (gnomAD). The available evidence is insufficient to determine the role of this variant in disease conclusively. Therefore, this variant is classified as a Variant of Uncertain Significance.

NM_000059.4(BRCA2):c.9697T>C (p.Cys3233Arg)

Gene: BRCA2 (BRCA2 DNA repair associated; plus strand). Cytogenetic location: 13q13.1.
Variant type: single nucleotide variant.
Coding change: c.9697T>C on transcript NM_000059.4 (MANE Select); coding-DNA position 9697, T replaced by C.
Protein change: p.Cys3233Arg; replaces cysteine 3233 with arginine.
Molecular consequence: missense variant.
Genome position (GRCh38, 1-based): chr13:32,398,210, T>C. VCF-style: chr13-32398210-T-C. GRCh37 (hg19) VCF-style: chr13-32972347-T-C.
Other names: short protein forms C3233R.
Identifiers: ClinVar variation 489800 (VCV000489800.9), dbSNP rs1555289917, ClinGen allele CA387765351.
Genomic context (GRCh38, chr13:32,398,210, plus strand): 5'-TTTTTTTATCAGATGTCTTCTCCTAATTGTGAGATATATTATCAAAGTCCTTTATCACTT[T>C]GTATGGCCAAAAGGAAGTCTGTTTCCACACCTGTCTCAGCCCAGATGACTTCAAAGTCTT-3'
Protein context (NP_000050.3, residues 3223-3243): EIYYQSPLSL[Cys3233Arg]MAKRKSVSTP